The following is an entry in ClinVar:

NM_000110.4(DPYD):c.1757T>C (p.Val586Ala)

Gene: DPYD (dihydropyrimidine dehydrogenase; minus strand). Cytogenetic location: 1p21.3.
Variant type: single nucleotide variant.
Coding change: c.1757T>C on transcript NM_000110.4 (MANE Select); coding-DNA position 1757, T replaced by C.
Protein change: p.Val586Ala; replaces valine 586 with alanine.
Molecular consequence: missense variant.
Genome position (GRCh38, 1-based): chr1:97,450,207, A>G on the plus strand (T>C on the coding strand, the complement: DPYD is on the minus strand). VCF-style: chr1-97450207-A-G. GRCh37 (hg19) VCF-style: chr1-97915763-A-G.
Other names: short protein forms V586A.
Identifiers: ClinVar variation 1805235 (VCV001805235.1), dbSNP rs374527058, ClinGen allele CA963240.

ClinVar aggregate classification (germline): Uncertain significance (1 of 4 stars; one submission).

Conditions:
Dihydropyrimidine dehydrogenase deficiency (DPYDD). Also called: DPD DEFICIENCY; DPYD DEFICIENCY; Hereditary Thymine-Uraciluria. Identifiers: Orphanet 1675, MedGen C1959620, MONDO:0010130, OMIM 274270.

Allele frequency attached by ClinVar (database versions not stated): gnomAD exomes 0.00009; ESP Exome Variant Server 0.00015; ExAC 0.00002; gnomAD 0.00003; TOPMed 0.00003.
gnomAD v4.1: 135 of 1,613,524 alleles (0.0084%); highest among the groups gnomAD compares: Middle Eastern, 0.016%; no homozygotes.

Submission:

Victorian Clinical Genetics Services, Murdoch Childrens Research Institute
Classification: Uncertain significance for Dihydropyrimidine dehydrogenase deficiency. Last evaluated: 2020-06-11. Review status: criteria provided, single submitter. Criteria: ACMG Guidelines, 2015. Collection method: clinical testing. Allele origin: germline. Inheritance: Autosomal recessive inheritance. Affected: yes.
Comment: Based on the classification scheme VCGS_Germline_v1.1.1, this variant is classified as 3A-VUS. Following criteria are met: 0102 - Loss-of-function is a known mechanism of disease for this gene. (N) 0106 - This gene is known to be associated with autosomal recessive disease. However, heterozygous carriers of some variants may also show a reduction in dihydropyrimidine dehydrogenase activity and can be affected by 5-fluorouracil toxicity (PMID: 29152729, 26265346). (N) 0200 - Variant is predicted to result in a missense amino acid change from valine to alanine (exon 14). (N) 0251 - Variant is heterozygous. (N) 0304 - Variant is present in gnomAD <0.01 for a recessive condition (6 heterozygotes, 0 homozygotes). (P) 0501 - Missense variant consistently predicted to be damaging by multiple in-silico tools or highly conserved with a major amino acid change. (P) 0600 - Variant is located in an annotated domain or motif (Dihydropyrimidine dehydrogenase FMN-binding domain; NCBI). (N) 0705 - No comparable variants have previous evidence for pathogenicity. (N) 0807 - Variant has not previously been reported in a clinical context. (N) 0905 - No segregation evidence has been identified for this variant. (N) 1002 - Moderate functional evidence supporting abnormal protein function. Functional studies show that this variant reduces enzyme activity (PMID: 29327356). (P) 1208 - Inheritance information for this variant is not currently available. (N) Legend: (P) - Pathogenic, (N) - Neutral, (B) - Benign

Literature cited by the submitters: PubMed 26265346; PubMed 29327356; PubMed 29152729.